The following is an entry in ClinVar:

NM_000536.4(RAG2):c.509A>G (p.Glu170Gly)

Gene: RAG2 (recombination activating 2; minus strand). Cytogenetic location: 11p12.
Variant type: single nucleotide variant.
Coding change: c.509A>G on transcript NM_000536.4 (MANE Select); coding-DNA position 509, A replaced by G.
Protein change: p.Glu170Gly; replaces glutamic acid 170 with glycine.
Molecular consequence: missense variant.
Genome position (GRCh38, 1-based): chr11:36,593,660, T>C on the plus strand (A>G on the coding strand, the complement: RAG2 is on the minus strand). VCF-style: chr11-36593660-T-C. GRCh37 (hg19) VCF-style: chr11-36615210-T-C.
Other names: c.509A>G, p.Glu170Gly (NM_001243785.2, NM_001243786.2); short protein forms E170G.
Identifiers: ClinVar variation 4814342 (VCV004814342.1).

ClinVar aggregate classification (germline): Likely pathogenic (1 of 4 stars; one submission).

Conditions:
Histiocytic medullary reticulosis. Also called: SEVERE COMBINED IMMUNODEFICIENCY WITH HYPEREOSINOPHILIA; Omenn syndrome. Identifiers: Orphanet 39041, MedGen C2700553, MONDO:0011338, OMIM 603554.

gnomAD v4.1: 1 of 1,614,192 alleles (0.000062%); highest among the groups gnomAD compares: Admixed American, 0.0017%; no homozygotes.

Submission:

Natera, Inc.
Classification: Likely pathogenic for Omenn syndrome. Last evaluated: 2025-10-28. Review status: criteria provided, single submitter. Criteria: Natera Variant Classification Schema (03/2026). Collection method: clinical testing. Allele origin: germline.
Comment: The c.509A>G variant in RAG2 is a missense variant predicted to cause substitution of glutamic acid to glycine at amino acid 170. This variant is rare in the general population with a frequency below the threshold expected for the associated phenotype(s). This variant has been observed in one or more individuals affected with the associated recessive disease, as either homozygous or compound heterozygous with a second variant (PMID: 31058115). Functional studies show that this variant may disrupt protein function (PMID: 31058115). Computational prediction algorithms indicate this variant is likely to affect gene or protein function. Given the available evidence, this variant is classified as Likely Pathogenic.

Literature cited by the submitters: PubMed 31058115.